The following is an entry in ClinVar:

ClinVar aggregate classification (germline): Pathogenic. Review status: reviewed by expert panel (3 of 4 stars). 2 submissions from 2 submitters: Pathogenic (1). 1 of the submissions does not count toward it. Last evaluated 2025-09-05.

Conditions:
RPGR-related retinopathy. Also called: RPGR retinopathy. Identifiers: MedGen CN305589, MONDO:0100437.
Primary ciliary dyskinesia. Also called: Ciliary dyskinesia. Identifiers: Orphanet 244, MedGen C0008780, MONDO:0016575, HP:0012265.

Submissions (2):

ClinGen X-linked Inherited Retinal Disease Variant Curation Expert Panel, ClinGen
Classification: Pathogenic for RPGR-related retinopathy. Last evaluated: 2025-09-05. Review status: reviewed by expert panel. Criteria: ClinGen X LinkedIRD ACMG Specifications RPGR V1.0.0. Collection method: curation. Allele origin: germline. Inheritance: X-linked inheritance.
Comment: NM_001034853.2(RPGR):c.2764del (p.Glu922ArgfsTer?) is a frameshift variant due to a 1-nucleotide deletion introducing a premature stop codon within exon 15 of 15, which is predicted to disrupt a critical C-terminal region required for proper glutamylation of RPGR (PVS1, PMID: 36445968). This variant is absent from gnomAD v4.1.0 (PM2_Supporting). At least one proband harboring this variant exhibits a phenotype including a family history consistent with X-linked inheritance (2 pts), childhood-onset (1 pt), electroretinogram responses consistent with rod-cone dystrophy (1 pt), and visual field constriction (0.5 pts), which together are specific for RPGR-related retinopathy (4.5 points, PMID: 23681342, PP4). In summary, this variant is classified as pathogenic for RPGR-related retinopathy based on the ClinGen X-linked Inherited Retinal Disease Expert Panel Specifications to the ACMG/AMP Variant Interpretation Guidelines for RPGR Version 1.0.0; PVS1, PM2_Supporting, and PP4.

Labcorp Genetics (formerly Invitae), Labcorp
Classification: Pathogenic for Primary ciliary dyskinesia. Last evaluated: 2025-04-23. Review status: criteria provided, single submitter. Criteria: Invitae Variant Classification Sherloc (09022015). Collection method: clinical testing. Allele origin: germline. Not counted in ClinVar's aggregate classification.
Comment: This sequence change creates a premature translational stop signal (p.Glu922Argfs*167) in the RPGR (ORF15) gene. While this is not anticipated to result in nonsense mediated decay, it is expected to disrupt the last 231 amino acid(s) of the RPGR (ORF15) protein. This variant is not present in population databases (gnomAD no frequency). This premature translational stop signal has been observed in individual(s) with retinitis pigmentosa (PMID: 23681342). This variant disrupts a region of the RPGR (ORF15) protein in which other variant(s) (p.Leu1130Lysfs*13) have been determined to be pathogenic (PMID: 22264887; internal data). This suggests that this is a clinically significant region of the protein, and that variants that disrupt it are likely to be disease-causing. For these reasons, this variant has been classified as Pathogenic.

Literature cited by the submitters: PubMed 23681342 (cited by Labcorp Genetics (formerly Invitae), Labcorp); PubMed 22264887 (cited by Labcorp Genetics (formerly Invitae), Labcorp).

NM_001034853.2(RPGR):c.2764del (p.Glu922fs)

Gene: RPGR (retinitis pigmentosa GTPase regulator; minus strand). Cytogenetic location: Xp11.4.
Variant type: Deletion.
Coding change: c.2764del on transcript NM_001034853.2 (MANE Select); coding-DNA position 2764, one base deleted (G; older notation c.2764delG).
Protein change: p.Glu922fs; shifts the reading frame from glutamic acid 922.
Molecular consequence: frameshift variant. On other transcripts: intron variant (8).
Genome position (GRCh38, 1-based): chrX:38,286,235, C deleted on the plus strand (G on the coding strand, the reverse complement: RPGR is on the minus strand); the first of 4 consecutive C bases (chrX:38,286,235-38,286,238); deleting any one gives the same sequence. VCF-style (leftmost placement, unchanged base first): chrX-38286234-TC-T. GRCh37 (hg19) VCF-style: chrX-38145487-TC-T.
Other names: NM_001034853.2:c.2764del; c.1569+4724del (NM_001367249.1, NM_001367250.1); c.1902+859del (NM_001367245.1); c.1386+4724del (NM_001367251.1); c.1719+859del (NM_001367246.1); c.1572+4724del (NM_001367247.1); c.1905+859del (NM_000328.3); c.1602+4724del (NM_001367248.1); short protein forms E922fs.
Identifiers: ClinVar variation 4082171 (VCV004082171.2).